The following is an entry in ClinVar:

NM_001302998.2(LIPI):c.245G>C (p.Gly82Ala)

Gene: LIPI (lipase I; minus strand). Cytogenetic location: 21q11.2.
Variant type: single nucleotide variant.
Coding change: c.245G>C on transcript NM_001302998.2 (MANE Select); coding-DNA position 245, G replaced by C.
Protein change: p.Gly82Ala; replaces glycine 82 with alanine.
Molecular consequence: missense variant. On other transcripts: intron variant (1).
Genome position (GRCh38, 1-based): chr21:14,189,221, C>G on the plus strand (G>C on the coding strand, the complement: LIPI is on the minus strand). VCF-style: chr21-14189221-C-G. GRCh37 (hg19) VCF-style: chr21-15561542-C-G.
Other names: c.245G>C, p.Gly82Ala (NM_001302999.2, NM_001303000.2, NM_001303001.2 and 1 more transcripts); c.110G>C, p.Gly37Ala (NM_198996.4); c.47-7362G>C (NM_001379566.1); short protein forms G37A, G82A.
Identifiers: ClinVar variation 4711147 (VCV004711147.1).

ClinVar aggregate classification (germline): Uncertain significance (1 of 4 stars; one submission).

Submission:

Labcorp Genetics (formerly Invitae), Labcorp
Classification: Uncertain significance. Last evaluated: 2025-03-30. Review status: criteria provided, single submitter. Criteria: Invitae Variant Classification Sherloc (09022015). Collection method: clinical testing. Allele origin: germline.
Comment: This sequence change replaces glycine, which is neutral and non-polar, with alanine, which is neutral and non-polar, at codon 103 of the LIPI protein (p.Gly103Ala). This variant is not present in population databases (gnomAD no frequency). This variant has not been reported in the literature in individuals affected with LIPI-related conditions. An algorithm developed to predict the effect of missense changes on protein structure and function (PolyPhen-2) suggests that this variant is likely to be disruptive. In summary, the available evidence is currently insufficient to determine the role of this variant in disease. Therefore, it has been classified as a Variant of Uncertain Significance.